The following is an entry in ClinVar:

ClinVar aggregate classification (germline): Uncertain significance (1 of 4 stars; one submission).

Conditions:
Early-infantile DEE. Also called: Ohtahara syndrome; Early infantile epileptic encephalopathy; Early infantile epileptic encephalopathy with suppression bursts. Identifiers: Orphanet 1934, MedGen C0393706, MONDO:0800491.

Allele frequency attached by ClinVar (database versions not stated): ExAC 0.00001; gnomAD 0.00001; ESP Exome Variant Server 0.00008; TOPMed 0.00001; gnomAD exomes 0.00003.
gnomAD v4.1: 42 of 1,614,066 alleles (0.0026%); highest among the groups gnomAD compares: Non-Finnish European, 0.0031%; no homozygotes.

Submission:

Labcorp Genetics (formerly Invitae), Labcorp
Classification: Uncertain significance for Early-infantile DEE. Last evaluated: 2025-10-29. Review status: criteria provided, single submitter. Criteria: Invitae Variant Classification Sherloc (09022015). Collection method: clinical testing. Allele origin: germline.
Comment: This sequence change replaces leucine, which is neutral and non-polar, with proline, which is neutral and non-polar, at codon 774 of the KCNH5 protein (p.Leu774Pro). This variant is present in population databases (rs143787093, gnomAD 0.002%). This variant has not been reported in the literature in individuals affected with KCNH5-related conditions. ClinVar contains an entry for this variant (Variation ID: 2871700). Invitae Evidence Modeling of protein sequence and biophysical properties (such as structural, functional, and spatial information, amino acid conservation, physicochemical variation, residue mobility, and thermodynamic stability) indicates that this missense variant is not expected to disrupt KCNH5 protein function with a negative predictive value of 95%. In summary, the available evidence is currently insufficient to determine the role of this variant in disease. Therefore, it has been classified as a Variant of Uncertain Significance.

NM_139318.5(KCNH5):c.2321T>C (p.Leu774Pro)

Gene: KCNH5 (potassium voltage-gated channel subfamily H member 5; minus strand). Cytogenetic location: 14q23.2.
Variant type: single nucleotide variant.
Coding change: c.2321T>C on transcript NM_139318.5 (MANE Select); coding-DNA position 2321, T replaced by C.
Protein change: p.Leu774Pro; replaces leucine 774 with proline.
Molecular consequence: missense variant. On other transcripts: 3 prime UTR variant (1).
Genome position (GRCh38, 1-based): chr14:62,708,154, A>G on the plus strand (T>C on the coding strand, the complement: KCNH5 is on the minus strand). VCF-style: chr14-62708154-A-G. GRCh37 (hg19) VCF-style: chr14-63174872-A-G.
Other names: c.*288T>C (NM_172375.3); short protein forms L774P.
Identifiers: ClinVar variation 2871700 (VCV002871700.3), dbSNP rs143787093, ClinGen allele CA7217274.
Genomic context (GRCh38, chr14:62,708,154, plus strand): 5'-CATTTTTGGTCAGCACCGCCGTTGGGCTTGAGTTCCATGGCATCACGGTTGTTCTGCTTA[A>G]GGGATTCACTGGTTTTCACATAGGCCAGAGACGTCTGAATGGGAGTAATCTGTGACACAG-3'
Protein context (NP_647479.2, residues 764-784): SLAYVKTSES[Leu774Pro]KQNNRDAMEL